The following is an entry in ClinVar:

ClinVar aggregate classification (germline): Likely benign. Review status: criteria provided, multiple submitters, no conflicts (2 of 4 stars). 3 submissions from 3 submitters: Likely benign (3). Last evaluated 2024-05-30.

Conditions:
Marfan syndrome (MFS). Also called: MARFAN SYNDROME, TYPE I; FBN1-Related Marfan Syndrome; Marfan syndrome type 1; Marfan's syndrome; Marfan syndrome, classic. Identifiers: Orphanet 284963, Orphanet 558, MedGen C0024796, MONDO:0007947, OMIM 154700.
Familial thoracic aortic aneurysm and aortic dissection (TAAD). Also called: Thoracic aortic aneurysms and dissections. Identifiers: Orphanet 91387, MedGen C4707243, MONDO:0019625.

Allele frequency attached by ClinVar (database versions not stated): gnomAD exomes below 0.00001; TOPMed 0.00001.
gnomAD v4.1: 5 of 1,613,868 alleles (0.00031%); highest among the groups gnomAD compares: African/African-American, 0.0013%; no homozygotes.

Submissions (3):

All of Us Research Program, National Institutes of Health
Classification: Likely benign for Marfan syndrome. Last evaluated: 2024-05-30. Review status: criteria provided, single submitter. Criteria: ACMG Guidelines, 2015. Collection method: clinical testing. Allele origin: germline. Inheritance: Autosomal dominant inheritance. Observed: 1 variant allele, 1 heterozygote.
Comment: This study involves interpretation of variants in research participants for the purpose of population health screening. Participant phenotype was not available at the time of variant classification. Additional details can be found in publication PMID: 35346344, PMCID: PMC8962531

Labcorp Genetics (formerly Invitae), Labcorp
Classification: Likely benign for Marfan syndrome; Familial thoracic aortic aneurysm and aortic dissection. Last evaluated: 2023-11-01. Review status: criteria provided, single submitter. Criteria: Invitae Variant Classification Sherloc (09022015). Collection method: clinical testing. Allele origin: germline.

Ambry Genetics
Classification: Likely benign for Familial thoracic aortic aneurysm and aortic dissection. Last evaluated: 2022-11-19. Review status: criteria provided, single submitter. Criteria: Ambry Variant Classification Scheme 2023. Collection method: clinical testing. Allele origin: germline.

NM_000138.5(FBN1):c.6207G>A (p.Lys2069=)

Gene: FBN1 (fibrillin 1; minus strand). Cytogenetic location: 15q21.1.
Variant type: single nucleotide variant.
Coding change: c.6207G>A on transcript NM_000138.5 (MANE Select); coding-DNA position 6207, G replaced by A.
Protein change: p.Lys2069=; no amino-acid change (lysine 2069 retained).
Molecular consequence: synonymous variant.
Genome position (GRCh38, 1-based): chr15:48,437,874, C>T on the plus strand (G>A on the coding strand, the complement: FBN1 is on the minus strand). VCF-style: chr15-48437874-C-T. GRCh37 (hg19) VCF-style: chr15-48730071-C-T.
Identifiers: ClinVar variation 457242 (VCV000457242.11), dbSNP rs1021415072, ClinGen allele CA269526965.